The following is an entry in ClinVar:

NM_000121.4(EPOR):c.438C>T (p.Asp146=)

Gene: EPOR (erythropoietin receptor; minus strand). Cytogenetic location: 19p13.2.
Variant type: single nucleotide variant.
Coding change: c.438C>T on transcript NM_000121.4 (MANE Select); coding-DNA position 438, C replaced by T.
Protein change: p.Asp146=; no amino-acid change (aspartic acid 146 retained).
Molecular consequence: synonymous variant. On other transcripts: non-coding transcript variant (1).
Genome position (GRCh38, 1-based): chr19:11,381,839, G>A on the plus strand (C>T on the coding strand, the complement: EPOR is on the minus strand). VCF-style: chr19-11381839-G-A. GRCh37 (hg19) VCF-style: chr19-11492515-G-A.
Identifiers: ClinVar variation 328152 (VCV000328152.13), dbSNP rs114645751, ClinGen allele CA9210764.

ClinVar aggregate classification (germline): Benign/Likely benign. Review status: criteria provided, multiple submitters, no conflicts (2 of 4 stars). 4 submissions from 4 submitters: Benign (3); Likely benign (1). Last evaluated 2025-09-22.

Conditions:
Primary familial polycythemia due to EPO receptor mutation. Also called: ERYTHROCYTOSIS, SOMATIC; Primary Familial Congenital Polycythemia; POLYCYTHEMIA, PRIMARY FAMILIAL AND CONGENITAL; Erythrocytosis, familial, 1. Identifiers: Orphanet 90042, MedGen C4551637, MONDO:0007572, OMIM 133100.

Allele frequency attached by ClinVar (database versions not stated): gnomAD exomes 0.00017 and 0.00040; ExAC 0.00049; 1000 Genomes Project 30x 0.00156; gnomAD 0.00168 and 0.00182; 1000 Genomes Project 0.00180; TOPMed 0.00183; ESP Exome Variant Server 0.00200.
gnomAD v4.1: 510 of 1,614,082 alleles (0.032%); highest among the groups gnomAD compares: African/African-American, 0.62%; 3 homozygotes.

Submissions (4):

Labcorp Genetics (formerly Invitae), Labcorp
Classification: Benign. Last evaluated: 2025-09-22. Review status: criteria provided, single submitter. Criteria: Invitae Variant Classification Sherloc (09022015). Collection method: clinical testing. Allele origin: germline.

Blueprint Genetics
Classification: Likely benign. Last evaluated: 2022-09-06. Review status: criteria provided, single submitter. Criteria: ACMG Guidelines, 2015. Collection method: clinical testing. Allele origin: germline.

Illumina Laboratory Services, Illumina
Classification: Benign for Primary familial polycythemia due to EPO receptor mutation. Last evaluated: 2018-01-13. Review status: criteria provided, single submitter. Criteria: ICSL Variant Classification Criteria 13 December 2019. Collection method: clinical testing. Allele origin: germline.
Comment: This variant was observed in the ICSL laboratory as part of a predisposition screen in an ostensibly healthy population. It had not been previously curated by ICSL or reported in the Human Gene Mutation Database (HGMD: prior to June 1st, 2018), and was therefore a candidate for classification through an automated scoring system. Utilizing variant allele frequency, disease prevalence and penetrance estimates, and inheritance mode, an automated score was calculated to assess if this variant is too frequent to cause the disease. Based on the score and internal cut-off values, a variant classified as benign is not then subjected to further curation. The score for this variant resulted in a classification of benign for this disease.

Breakthrough Genomics
Classification: Benign. Review status: criteria provided, single submitter. Criteria: ACMG Guidelines, 2015. Collection method: not provided. Allele origin: germline. Inheritance: Autosomal dominant inheritance. Affected: yes.